The following is an entry in ClinVar:

NM_177438.3(DICER1):c.81C>G (p.Phe27Leu)

Gene: DICER1 (dicer 1, ribonuclease III; minus strand). Cytogenetic location: 14q32.13.
Variant type: single nucleotide variant.
Coding change: c.81C>G on transcript NM_177438.3 (MANE Select); coding-DNA position 81, C replaced by G.
Protein change: p.Phe27Leu; replaces phenylalanine 27 with leucine.
Molecular consequence: missense variant.
Genome position (GRCh38, 1-based): chr14:95,133,378, G>C on the plus strand (C>G on the coding strand, the complement: DICER1 is on the minus strand). VCF-style: chr14-95133378-G-C. GRCh37 (hg19) VCF-style: chr14-95599715-G-C.
Other names: c.81C>G, p.Phe27Leu (NM_001195573.1, NM_001271282.3, NM_001291628.2 and 1 more transcripts); short protein forms F27L.
Identifiers: ClinVar variation 543579 (VCV000543579.10), dbSNP rs1555376563, ClinGen allele CA390890528.

ClinVar aggregate classification (germline): Uncertain significance (1 of 4 stars; one submission).

Conditions:
DICER1-related tumor predisposition. Also called: DICER1-related pleuropulmonary blastoma cancer predisposition syndrome; DICER1 syndrome. Identifiers: Orphanet 284343, MedGen C3839822, MONDO:0100216.

Submission:

Labcorp Genetics (formerly Invitae), Labcorp
Classification: Uncertain significance for DICER1-related tumor predisposition. Last evaluated: 2020-12-15. Review status: criteria provided, single submitter. Criteria: Invitae Variant Classification Sherloc (09022015). Collection method: clinical testing. Allele origin: germline.
Comment: In summary, the available evidence is currently insufficient to determine the role of this variant in disease. Therefore, it has been classified as a Variant of Uncertain Significance. Algorithms developed to predict the effect of missense changes on protein structure and function do not agree on the potential impact of this missense change (SIFT: "Deleterious"; PolyPhen-2: "Probably Damaging"; Align-GVGD: "Class C0"). This variant has not been reported in the literature in individuals with DICER1-related disease. This variant is not present in population databases (ExAC no frequency). This sequence change replaces phenylalanine with leucine at codon 27 of the DICER1 protein (p.Phe27Leu). The phenylalanine residue is highly conserved and there is a small physicochemical difference between phenylalanine and leucine.